The following is an entry in ClinVar:

ClinVar aggregate classification (germline): Uncertain significance (1 of 4 stars; one submission).

Conditions:
Keratosis pilaris atrophicans (KPA). Also called: Burnett Schwartz Berberian syndrome; ​Keratosis pilaris atrophicans. Identifiers: Orphanet 498, MedGen C0263428, MONDO:0018855, OMIM 604093.

Submission:

Ozbek Human Genetics Laboratory, Izmir Biomedicine and Genome Center
Classification: Uncertain significance for Keratosis pilaris atrophicans. Last evaluated: 2025-09-29. Review status: criteria provided, single submitter. Criteria: ACMG Guidelines, 2015. Collection method: research. Allele origin: unknown. Affected: yes. Observed: 1 variant allele, 1 homozygote.
Comment: A homozygous missense variant, c.9845A>G, was identified in exon 61 of the LRP1 gene (NM_002332.3). This variant is observed at a very low frequency in population databases (PM2). Missense variants are impactful in the general mechanism of the disease, and it is unlikely that these variants are benign (PP2). In silico algorithms (AlphaMissense, REVEL) predict a deleterious effect at the protein level (PP3). Based on this evidence, the variant is classified as a Variant of Uncertain Significance (VUS) according to ACMG criteria. The LRP1 gene is associated with "Keratosis pilaris atrophicans" syndrome in the OMIM database. However, homozygous variants in the LRP1 gene have been linked in the literature to cataracts, glaucoma, congenital heart anomalies, skeletal malformations, and dysmorphic features (4). Data obtained via the RAREBOOST project (Horizon 2020 ERA Chairs at Izmir Biomedicine and Genome Center - IBG)

Literature cited by the submitters: PubMed 36307211.

NM_002332.3(LRP1):c.9845A>G (p.His3282Arg)

Gene: LRP1 (LDL receptor related protein 1; plus strand). Cytogenetic location: 12q13.3.
Variant type: single nucleotide variant.
Coding change: c.9845A>G on transcript NM_002332.3 (MANE Select); coding-DNA position 9845, A replaced by G.
Protein change: p.His3282Arg; replaces histidine 3282 with arginine.
Molecular consequence: missense variant.
Genome position (GRCh38, 1-based): chr12:57,199,380, A>G. VCF-style: chr12-57199380-A-G. GRCh37 (hg19) VCF-style: chr12-57593163-A-G.
Other names: short protein forms H3282R.
Identifiers: ClinVar variation 4813295 (VCV004813295.1).